The following is an entry in ClinVar:

ClinVar aggregate classification (germline): Uncertain significance (1 of 4 stars; one submission).

Conditions:
Inborn genetic diseases. Identifiers: MedGen C0950123, MeSH D030342.

gnomAD v4.1: 2 of 1,613,794 alleles (0.00012%); highest among the groups gnomAD compares: African/African-American, 0.0027%; no homozygotes.

Submission:

Ambry Genetics
Classification: Uncertain significance for Inborn genetic diseases. Last evaluated: 2025-01-08. Review status: criteria provided, single submitter. Criteria: Ambry Variant Classification Scheme 2023. Collection method: clinical testing. Allele origin: germline.
Comment: The p.H582L variant (also known as c.1745A>T), located in coding exon 19 of the FANCA gene, results from an A to T substitution at nucleotide position 1745. The histidine at codon 582 is replaced by leucine, an amino acid with similar properties. This amino acid position is conserved. In addition, the in silico prediction for this alteration is inconclusive. Based on the available evidence, the clinical significance of this variant remains unclear.

NM_000135.4(FANCA):c.1745A>T (p.His582Leu)

Gene: FANCA (FA complementation group A; minus strand). Cytogenetic location: 16q24.3.
Variant type: single nucleotide variant.
Coding change: c.1745A>T on transcript NM_000135.4 (MANE Select); coding-DNA position 1745, A replaced by T.
Protein change: p.His582Leu; replaces histidine 582 with leucine.
Molecular consequence: missense variant.
Genome position (GRCh38, 1-based): chr16:89,778,974, T>A on the plus strand (A>T on the coding strand, the complement: FANCA is on the minus strand). VCF-style: chr16-89778974-T-A. GRCh37 (hg19) VCF-style: chr16-89845382-T-A.
Other names: c.1745A>T, p.His582Leu (NM_001286167.3); short protein forms H582L.
Identifiers: ClinVar variation 3848097 (VCV003848097.1).